The following is an entry in ClinVar:

ClinVar aggregate classification (germline): Uncertain significance. Review status: criteria provided, multiple submitters, no conflicts (2 of 4 stars). 3 submissions from 3 submitters: Uncertain significance (3). Last evaluated 2025-08-28.

Conditions:
Fanconi anemia complementation group D2. Also called: FANCD2-Related Fanconi Anemia; FANCONI PANCYTOPENIA, TYPE 4; FANCONI ANEMIA, COMPLEMENTATION GROUP D. Identifiers: Orphanet 84, MedGen C3160738, MONDO:0009214, OMIM 227646.
Fanconi anemia (FA). Also called: Fanconi's anemia. Identifiers: Orphanet 84, MedGen C0015625, MeSH D005199, MONDO:0019391.

Allele frequency attached by ClinVar (database versions not stated): TOPMed 0.00006; gnomAD 0.00001; ESP Exome Variant Server 0.00008; gnomAD exomes 0.00002 and 0.00005; ExAC 0.00003.
gnomAD v4.1: 37 of 1,604,914 alleles (0.0023%); highest among the groups gnomAD compares: Admixed American, 0.005%; no homozygotes.

Submissions (3):

Labcorp Genetics (formerly Invitae), Labcorp
Classification: Uncertain significance for Fanconi anemia. Last evaluated: 2025-08-28. Review status: criteria provided, single submitter. Criteria: Invitae Variant Classification Sherloc (09022015). Collection method: clinical testing. Allele origin: germline.
Comment: This sequence change replaces serine, which is neutral and polar, with leucine, which is neutral and non-polar, at codon 1257 of the FANCD2 protein (p.Ser1257Leu). This variant is present in population databases (rs374940277, gnomAD 0.009%). This variant has not been reported in the literature in individuals affected with FANCD2-related conditions. ClinVar contains an entry for this variant (Variation ID: 1409405). Invitae Evidence Modeling of protein sequence and biophysical properties (such as structural, functional, and spatial information, amino acid conservation, physicochemical variation, residue mobility, and thermodynamic stability) indicates that this missense variant is not expected to disrupt FANCD2 protein function with a negative predictive value of 80%. In summary, the available evidence is currently insufficient to determine the role of this variant in disease. Therefore, it has been classified as a Variant of Uncertain Significance.

GeneDx
Classification: Uncertain significance. Last evaluated: 2025-05-20. Review status: criteria provided, single submitter. Criteria: GeneDx Variant Classification Process June 2021. Collection method: clinical testing. Allele origin: germline. Affected: yes.
Comment: In silico analysis supports that this missense variant has a deleterious effect on protein structure/function; Has not been previously published as pathogenic or benign to our knowledge

Fulgent Genetics
Classification: Uncertain significance for Fanconi anemia complementation group D2. Last evaluated: 2021-10-15. Review status: criteria provided, single submitter. Criteria: ACMG Guidelines, 2015. Collection method: clinical testing. Allele origin: unknown.

NM_001018115.3(FANCD2):c.3770C>T (p.Ser1257Leu)

Genes: FANCD2 (FA complementation group D2; plus strand), FANCD2OS (FANCD2 opposite strand; minus strand). Cytogenetic location: 3p25.3.
Variant type: single nucleotide variant.
Coding change: c.3770C>T on transcript NM_001018115.3 (MANE Select); coding-DNA position 3770, C replaced by T.
Protein change: p.Ser1257Leu; replaces serine 1257 with leucine.
Molecular consequence: missense variant. On other transcripts: intron variant (1).
Genome position (GRCh38, 1-based): chr3:10,090,378, C>T. VCF-style: chr3-10090378-C-T. GRCh37 (hg19) VCF-style: chr3-10132062-C-T.
Other names: c.3770C>T, p.Ser1257Leu (NM_001319984.2, NM_001374254.1, NM_033084.6); c.3659C>T, p.Ser1220Leu (NM_001374253.1); c.*44-8847G>A (NM_173472.2); short protein forms S1257L, S1220L.
Identifiers: ClinVar variation 1409405 (VCV001409405.6), dbSNP rs374940277, ClinGen allele CA2250502.
Genomic context (GRCh38, chr3:10,090,378, plus strand): 5'-TGATGATGGCTGAACTAGAGAAGACGGTGAAAAAAATTGAGCCTGGCACAGCAGCAGACT[C>T]GCAGCAGGTGAGTAAGATAATAGTCACTTCAAGAAGTGGACTTTGGATTACTTGGAAGTT-3'
Protein context (NP_001018125.1, residues 1247-1267): KKIEPGTAAD[Ser1257Leu]QQIHEEKLLY